The following is an entry in ClinVar:

ClinVar aggregate classification (germline): Uncertain significance (1 of 4 stars; one submission).

Submission:

GeneDx
Classification: Uncertain significance. Last evaluated: 2024-04-19. Review status: criteria provided, single submitter. Criteria: GeneDx Variant Classification Process June 2021. Collection method: clinical testing. Allele origin: germline. Affected: yes.
Comment: Not observed at significant frequency in large population cohorts (gnomAD); In silico analysis indicates that this missense variant does not alter protein structure/function; Has not been previously published as pathogenic or benign to our knowledge

NM_005859.5(PURA):c.31G>A (p.Gly11Ser)

Gene: PURA (purine rich element binding protein A; plus strand). Cytogenetic location: 5q31.3.
Variant type: single nucleotide variant.
Coding change: c.31G>A on transcript NM_005859.5 (MANE Select); coding-DNA position 31, G replaced by A.
Protein change: p.Gly11Ser; replaces glycine 11 with serine.
Molecular consequence: missense variant.
Genome position (GRCh38, 1-based): chr5:140,114,212, G>A. VCF-style: chr5-140114212-G-A. GRCh37 (hg19) VCF-style: chr5-139493797-G-A.
Other names: short protein forms G11S.
Identifiers: ClinVar variation 3372807 (VCV003372807.1).
Genomic context (GRCh38, chr5:140,114,212, plus strand): 5'-GGCGGCGGCGCGGCAGCGGAGCGCAGCATCATGGCGGACCGAGACAGCGGCAGCGAGCAG[G>A]GTGGTGCGGCGCTGGGTTCGGGCGGCTCCCTGGGGCACCCCGGCTCGGGCTCAGGCTCCG-3'
Protein context (NP_005850.1, residues 1-21): MADRDSGSEQ[Gly11Ser]GAALGSGGSL